The following is an entry in ClinVar:

NM_014489.4(PGAP2):c.615T>A (p.Asn205Lys)

Gene: PGAP2 (post-GPI attachment to proteins 2; plus strand). Cytogenetic location: 11p15.4.
Variant type: single nucleotide variant.
Coding change: c.615T>A on transcript NM_014489.4 (MANE Select); coding-DNA position 615, T replaced by A.
Protein change: p.Asn205Lys; replaces asparagine 205 with lysine.
Molecular consequence: missense variant. On other transcripts: non-coding transcript variant (15).
Genome position (GRCh38, 1-based): chr11:3,824,283, T>A. VCF-style: chr11-3824283-T-A. GRCh37 (hg19) VCF-style: chr11-3845513-T-A.
Other names: c.432T>A, p.Asn144Lys (NM_001346398.2, NM_001346400.2, NM_001346404.1 and 7 more transcripts); c.442T>A, p.Cys148Ser (NM_001346399.2, NM_001346401.2); c.552T>A, p.Asn184Lys (NM_001346402.2); c.615T>A, p.Asn205Lys (NM_001346403.1, NM_001256236.2); c.355T>A, p.Cys119Ser (NM_001283039.2); c.175T>A, p.Cys59Ser (NM_001283040.1); c.585T>A, p.Asn195Lys (NM_001346397.2); c.486T>A, p.Asn162Lys (NM_001256235.2); short protein forms C148S, N162K, N201K, N205K, C186S, N195K, N184K, C59S.
Identifiers: ClinVar variation 2410050 (VCV002410050.2), dbSNP rs544741456, ClinGen allele CA5829832.

ClinVar aggregate classification (germline): Uncertain significance. Review status: criteria provided, multiple submitters, no conflicts (2 of 4 stars). 2 submissions from 2 submitters: Uncertain significance (2). Last evaluated 2022-02-10.

Conditions:
Hyperphosphatasia with impaired intellectual development syndrome 3. Also called: Hyperphosphatasia with intellectual disability syndrome 3; GLYCOSYLPHOSPHATIDYLINOSITOL BIOSYNTHESIS DEFECT 8. Identifiers: Orphanet 247262, MedGen C3280153, MONDO:0013628, OMIM 614207.
Inborn genetic diseases. Identifiers: MedGen C0950123, MeSH D030342.

Allele frequency attached by ClinVar (database versions not stated): TOPMed 0.00002; gnomAD 0.00004; 1000 Genomes Project 30x 0.00016; 1000 Genomes Project 0.00020; ExAC 0.00020.
gnomAD v4.1: 156 of 1,614,170 alleles (0.0097%); highest among the groups gnomAD compares: South Asian, 0.15%; 2 homozygotes.

Submissions (2):

Ambry Genetics
Classification: Uncertain significance for Inborn genetic diseases. Last evaluated: 2022-02-10. Review status: criteria provided, single submitter. Criteria: Ambry Variant Classification Scheme 2023. Collection method: clinical testing. Allele origin: germline.

Neuberg Centre For Genomic Medicine, NCGM
Classification: Uncertain significance for Hyperphosphatasia with impaired intellectual development syndrome 3. Review status: criteria provided, single submitter. Criteria: ACMG Guidelines, 2015. Collection method: clinical testing. Allele origin: germline. Inheritance: Autosomal recessive inheritance. Affected: yes.
Comment: The missense variant c.786T>A (p.Asn262Lys) in PGAP2 gene has not been reported previously as a pathogenic variant nor as a benign variant, to our knowledge. The p.Asn262Lys variant is reported with the allele frequency (0.01%) in the gnomAD Exomes and is novel (not in any individuals) in 1000 Genomes. The amino acid Asn at position 262 is changed to a Lys changing protein sequence and it might alter its composition and physico-chemical properties. The variant is predicted to be damaging by PolyPhen2 and the residue is conserved across species. The amino acid change p.Asn262Lys in PGAP2 is predicted as conserved by GERP++. For these reasons, this variant has been classified as Variant of Uncertain Significance (VUS).